The following is an entry in ClinVar:

ClinVar aggregate classification (germline): Uncertain significance (1 of 4 stars; one submission).

Submission:

CeGaT Center for Human Genetics Tuebingen
Classification: Uncertain significance. Last evaluated: 2025-09-01. Review status: criteria provided, single submitter. Criteria: CeGaT Center For Human Genetics Tuebingen Variant Classification Criteria Version 2. Collection method: clinical testing. Allele origin: germline. Affected: yes. Observed: 1 variant allele.
Comment: MEF2C: PM2

NM_002397.5(MEF2C):c.1393A>T (p.Met465Leu)

Genes: MEF2C (myocyte enhancer factor 2C; minus strand), MEF2C-AS2 (MEF2C antisense RNA 2; plus strand). Cytogenetic location: 5q14.3.
Variant type: single nucleotide variant.
Coding change: c.1393A>T on transcript NM_002397.5 (MANE Select); coding-DNA position 1393, A replaced by T.
Protein change: p.Met465Leu; replaces methionine 465 with leucine.
Molecular consequence: missense variant. On other transcripts: non-coding transcript variant (1), 3 prime UTR variant (9).
Genome position (GRCh38, 1-based): chr5:88,722,633, T>A on the plus strand (A>T on the coding strand, the complement: MEF2C is on the minus strand). VCF-style: chr5-88722633-T-A. GRCh37 (hg19) VCF-style: chr5-88018450-T-A.
Other names: c.1153A>T, p.Met385Leu (NM_001364332.2, NM_001193349.3); c.1369A>T, p.Met457Leu (NM_001364333.2, NM_001308002.3); c.1297A>T, p.Met433Leu (NM_001364334.2, NM_001364335.2, NM_001364336.2 and 2 more transcripts); c.1327A>T, p.Met443Leu (NM_001364338.2); c.1273A>T, p.Met425Leu (NM_001364339.2, NM_001364340.2, NM_001364341.2 and 1 more transcripts); c.1393A>T, p.Met465Leu (NM_001364331.2, NM_001193350.2, NM_001364329.2 and 1 more transcripts); c.1363A>T, p.Met455Leu (NM_001131005.2); c.1423A>T, p.Met475Leu (NM_001193347.1); and 7 more; short protein forms M283L, M307L, M339L, M385L, M409L, M417L, M423L, M425L.
Identifiers: ClinVar variation 4281447 (VCV004281447.7).